The following is an entry in ClinVar:

NM_000169.3(GLA):c.769G>A (p.Ala257Thr)

Genes: GLA (galactosidase alpha; minus strand), RPL36A-HNRNPH2 (RPL36A-HNRNPH2 readthrough; plus strand). Cytogenetic location: Xq22.1.
Variant type: single nucleotide variant.
Coding change: c.769G>A on transcript NM_000169.3 (MANE Select); coding-DNA position 769, G replaced by A.
Protein change: p.Ala257Thr; replaces alanine 257 with threonine.
Molecular consequence: missense variant. On other transcripts: non-coding transcript variant (3), intron variant (2).
Genome position (GRCh38, 1-based): chrX:101,398,817, C>T on the plus strand (G>A on the coding strand, the complement: GLA is on the minus strand). VCF-style: chrX-101398817-C-T. GRCh37 (hg19) VCF-style: chrX-100653805-C-T.
Other names: c.892G>A, p.Ala298Thr (NM_001406747.1); c.769G>A, p.Ala257Thr (NM_001406748.1); c.300+3360C>T (NM_001199973.2); c.177+6995C>T (NM_001199974.2); short protein forms A257T, A298T.
Identifiers: ClinVar variation 1467819 (VCV001467819.9), dbSNP rs2147472990, ClinGen allele CA413924054.
Genomic context (GRCh38, chrX:101,398,817, plus strand): 5'-CTTGAACAAGGAGGGCTCAAGTTTTTACCATATCTGGGTCATTCCAACCCCCTGGTCCAG[C>T]AACATCAACAATTCTCTCCTGGTTAAAAGATGTCCAGTCCAAGATACTCTTTATACTTTT-3'
Protein context (NP_000160.1, residues 247-267): SFNQERIVDV[Ala257Thr]GPGGWNDPDM

ClinVar aggregate classification (germline): Uncertain significance. Review status: criteria provided, multiple submitters, no conflicts (2 of 4 stars). 2 submissions from 2 submitters: Uncertain significance (2). Last evaluated 2024-04-25.

Conditions:
Fabry disease. Also called: CERAMIDE TRIHEXOSIDASE DEFICIENCY; GLA DEFICIENCY; HEREDITARY DYSTOPIC LIPIDOSIS; Fabry's disease; ALPHA-GALACTOSIDASE A DEFICIENCY; ANDERSON-FABRY DISEASE. Identifiers: Orphanet 324, MedGen C0002986, MONDO:0010526, OMIM 301500, HP:0001071. Disease mechanism: Fabry disease is due to inactivating mutations in the X-linked GLA gene resulting in deficiency of the enzyme Alpha Galactosidase-A., loss of function.

Submissions (2):

Revvity Omics, Revvity
Classification: Uncertain significance. Last evaluated: 2024-04-25. Review status: criteria provided, single submitter. Criteria: ACMG Guidelines, 2015. Collection method: clinical testing. Allele origin: germline.

Labcorp Genetics (formerly Invitae), Labcorp
Classification: Uncertain significance for Fabry disease. Last evaluated: 2021-02-07. Review status: criteria provided, single submitter. Criteria: Invitae Variant Classification Sherloc (09022015). Collection method: clinical testing. Allele origin: germline.
Comment: In summary, the available evidence is currently insufficient to determine the role of this variant in disease. Therefore, it has been classified as a Variant of Uncertain Significance. This variant disrupts the p.Ala257 amino acid residue in GLA. Other variant(s) that disrupt this residue have been determined to be pathogenic (PMID: 25974833). This suggests that this residue is clinically significant, and that variants that disrupt this residue are likely to be disease-causing. Algorithms developed to predict the effect of missense changes on protein structure and function are either unavailable or do not agree on the potential impact of this missense change (SIFT: "Deleterious"; PolyPhen-2: "Probably Damaging"; Align-GVGD: "Class C0"). This variant has been observed in individual(s) with Fabry disease (Invitae). This variant is not present in population databases (ExAC no frequency). This sequence change replaces alanine with threonine at codon 257 of the GLA protein (p.Ala257Thr). The alanine residue is highly conserved and there is a small physicochemical difference between alanine and threonine.

Literature cited by the submitters: PubMed 25974833 (cited by Labcorp Genetics (formerly Invitae), Labcorp).